The following is an entry in ClinVar:

NM_020877.5(DNAH2):c.3607C>A (p.Leu1203Ile)

Gene: DNAH2 (dynein axonemal heavy chain 2; plus strand). Cytogenetic location: 17p13.1.
Variant type: single nucleotide variant.
Coding change: c.3607C>A on transcript NM_020877.5 (MANE Select); coding-DNA position 3607, C replaced by A.
Protein change: p.Leu1203Ile; replaces leucine 1203 with isoleucine.
Molecular consequence: missense variant.
Genome position (GRCh38, 1-based): chr17:7,766,413, C>A. VCF-style: chr17-7766413-C-A. GRCh37 (hg19) VCF-style: chr17-7669731-C-A.
Other names: short protein forms L1203I.
Identifiers: ClinVar variation 777121 (VCV000777121.7), dbSNP rs77695334, ClinGen allele CA8356832.

ClinVar aggregate classification (germline): Benign. Review status: criteria provided, multiple submitters, no conflicts (2 of 4 stars). 3 submissions from 3 submitters: Benign (2). 1 of the submissions does not count toward it. Last evaluated 2019-12-31.

Conditions:
DNAH2-related disorder. Also called: DNAH2-related condition.

Allele frequency attached by ClinVar (database versions not stated): gnomAD 0.01961; TOPMed 0.02235; 1000 Genomes Project 0.02256; ESP Exome Variant Server 0.02299; 1000 Genomes Project 30x 0.02561.
gnomAD v4.1: 6,837 of 1,613,954 alleles (0.42%); highest among the groups gnomAD compares: African/African-American, 6.8%; 196 homozygotes.

Submissions (3):

Labcorp Genetics (formerly Invitae), Labcorp
Classification: Benign. Last evaluated: 2019-12-31. Review status: criteria provided, single submitter. Criteria: Invitae Variant Classification Sherloc (09022015). Collection method: clinical testing. Allele origin: germline.

Breakthrough Genomics
Classification: Benign. Review status: criteria provided, single submitter. Criteria: ACMG Guidelines, 2015. Collection method: not provided. Allele origin: germline. Inheritance: Autosomal recessive inheritance. Affected: yes.

PreventionGenetics, part of Exact Sciences
Classification: Benign for DNAH2-related condition. Last evaluated: 2019-02-22. Review status: no assertion criteria provided. Collection method: clinical testing. Allele origin: germline. Not counted in ClinVar's aggregate classification.
Comment: This variant is classified as benign based on ACMG/AMP sequence variant interpretation guidelines (Richards et al. 2015 PMID: 25741868, with internal and published modifications).